The following is an entry in ClinVar:

NM_000059.4(BRCA2):c.7520C>T (p.Pro2507Leu)

Gene: BRCA2 (BRCA2 DNA repair associated; plus strand). Cytogenetic location: 13q13.1.
Variant type: single nucleotide variant.
Coding change: c.7520C>T on transcript NM_000059.4 (MANE Select); coding-DNA position 7520, C replaced by T.
Protein change: p.Pro2507Leu; replaces proline 2507 with leucine.
Molecular consequence: missense variant.
Genome position (GRCh38, 1-based): chr13:32,356,512, C>T. VCF-style: chr13-32356512-C-T. GRCh37 (hg19) VCF-style: chr13-32930649-C-T.
Other names: short protein forms P2507L.
Identifiers: ClinVar variation 231084 (VCV000231084.16), dbSNP rs876658948, ClinGen allele CA10579744.

ClinVar aggregate classification (germline): Uncertain significance. Review status: criteria provided, multiple submitters, no conflicts (2 of 4 stars). 2 submissions from 2 submitters: Uncertain significance (2). Last evaluated 2026-02-06.

Conditions:
Hereditary cancer-predisposing syndrome. Also called: Tumor predisposition; Hereditary neoplastic syndrome; Hereditary Cancer Syndrome; Neoplastic Syndromes, Hereditary. Identifiers: Orphanet 140162, MedGen C0027672, MeSH D009386, MONDO:0015356.
Hereditary breast ovarian cancer syndrome. Also called: Hereditary breast and ovarian cancer; Breast and ovarian cancer; BRCA1- and BRCA2-Associated Hereditary Breast and Ovarian Cancer; Hereditary breast and/or ovarian cancer syndrome; Hereditary breast and ovarian cancer syndrome; Hereditary breast and ovarian cancer syndrome (HBOC). Identifiers: Orphanet 145, MedGen C0677776, MeSH D061325, MONDO:0003582. Disease mechanism: loss of function.

Submissions (2):

Ambry Genetics
Classification: Uncertain significance for Hereditary cancer-predisposing syndrome. Last evaluated: 2026-02-06. Review status: criteria provided, single submitter. Criteria: Ambry Variant Classification Scheme 2023. Collection method: clinical testing. Allele origin: germline.
Comment: The p.P2507L variant (also known as c.7520C>T), located in coding exon 14 of the BRCA2 gene, results from a C to T substitution at nucleotide position 7520. The proline at codon 2507 is replaced by leucine, an amino acid with similar properties. The results from two saturation genome editing-based studies, including a haploid cell-survival assay and a humanized mouse embryonic stem cell line assay of drug response and survival, are discordant for this nucleotide substitution (Huang H et al. Nature. 2025 Feb;638(8050):528-537; Sahu S et al. Nature. 2025 Feb;638(8050):538-545). This amino acid position is well conserved in available vertebrate species. In addition, the in silico prediction for this alteration is inconclusive. Since supporting evidence is limited at this time, the clinical significance of this alteration remains unclear.

Labcorp Genetics (formerly Invitae), Labcorp
Classification: Uncertain significance for Hereditary breast ovarian cancer syndrome. Last evaluated: 2024-07-22. Review status: criteria provided, single submitter. Criteria: Invitae Variant Classification Sherloc (09022015). Collection method: clinical testing. Allele origin: germline.
Comment: This sequence change replaces proline, which is neutral and non-polar, with leucine, which is neutral and non-polar, at codon 2507 of the BRCA2 protein (p.Pro2507Leu). This variant is not present in population databases (gnomAD no frequency). This variant has not been reported in the literature in individuals affected with BRCA2-related conditions. ClinVar contains an entry for this variant (Variation ID: 231084). Advanced modeling of protein sequence and biophysical properties (such as structural, functional, and spatial information, amino acid conservation, physicochemical variation, residue mobility, and thermodynamic stability) performed at Invitae indicates that this missense variant is not expected to disrupt BRCA2 protein function with a negative predictive value of 95%. In summary, the available evidence is currently insufficient to determine the role of this variant in disease. Therefore, it has been classified as a Variant of Uncertain Significance.

Literature cited by the submitters: PubMed 39779848 (cited by Ambry Genetics); PubMed 39779857 (cited by Ambry Genetics).